The following is an entry in ClinVar:

ClinVar aggregate classification (germline): Uncertain significance. Review status: criteria provided, multiple submitters, no conflicts (2 of 4 stars). 3 submissions from 3 submitters: Uncertain significance (3). Last evaluated 2025-07-31.

gnomAD v4.1: 12 of 1,614,092 alleles (0.00074%); highest among the groups gnomAD compares: South Asian, 0.0022%; no homozygotes.

Submissions (3):

Labcorp Genetics (formerly Invitae), Labcorp
Classification: Uncertain significance. Last evaluated: 2025-07-31. Review status: criteria provided, single submitter. Criteria: Invitae Variant Classification Sherloc (09022015). Collection method: clinical testing. Allele origin: germline.
Comment: This sequence change replaces asparagine, which is neutral and polar, with serine, which is neutral and polar, at codon 561 of the IRF2BP2 protein (p.Asn561Ser). This variant is present in population databases (rs779104715, gnomAD 0.005%). This variant has not been reported in the literature in individuals affected with IRF2BP2-related conditions. ClinVar contains an entry for this variant (Variation ID: 1977825). An algorithm developed to predict the effect of missense changes on protein structure and function outputs the following: PolyPhen-2: "Possibly Damaging". The serine amino acid residue is found in multiple mammalian species, which suggests that this missense change does not adversely affect protein function. In summary, the available evidence is currently insufficient to determine the role of this variant in disease. Therefore, it has been classified as a Variant of Uncertain Significance.

Blueprint Genetics
Classification: Uncertain significance. Last evaluated: 2021-12-23. Review status: criteria provided, single submitter. Criteria: ACMG Guidelines, 2015. Collection method: clinical testing. Allele origin: germline.

Ambry Genetics
Classification: Uncertain significance. Last evaluated: 2021-07-20. Review status: criteria provided, single submitter. Criteria: Ambry Variant Classification Scheme 2023. Collection method: clinical testing. Allele origin: germline.

NM_182972.3(IRF2BP2):c.1682A>G (p.Asn561Ser)

Gene: IRF2BP2 (interferon regulatory factor 2 binding protein 2; minus strand). Cytogenetic location: 1q42.3.
Variant type: single nucleotide variant.
Coding change: c.1682A>G on transcript NM_182972.3 (MANE Select); coding-DNA position 1682, A replaced by G.
Protein change: p.Asn561Ser; replaces asparagine 561 with serine.
Molecular consequence: missense variant.
Genome position (GRCh38, 1-based): chr1:234,607,219, T>C on the plus strand (A>G on the coding strand, the complement: IRF2BP2 is on the minus strand). VCF-style: chr1-234607219-T-C. GRCh37 (hg19) VCF-style: chr1-234742965-T-C.
Other names: c.1634A>G, p.Asn545Ser (NM_001077397.1); short protein forms N561S, N545S.
Identifiers: ClinVar variation 1977825 (VCV001977825.7), dbSNP rs779104715, ClinGen allele CA1461511.
Genomic context (GRCh38, chr1:234,607,219, plus strand): 5'-ACTTTCACATCTCCAGCAAGGATGGTTGCAATTTCCCCTTGCATAAAGGCCCAGGGGACA[T>C]TGGAGCCCACAAGAGGGCATTTTTCCCCACTGGGACAATAGACCTCTCCACTAGCTCCCT-3'
Protein context (NP_892017.2, residues 551-571): SGEKCPLVGS[Asn561Ser]VPWAFMQGEI